The following is an entry in ClinVar:

ClinVar aggregate classification (germline): Likely benign. Review status: criteria provided, multiple submitters, no conflicts (2 of 4 stars). 5 submissions from 5 submitters: Likely benign (5). Last evaluated 2026-01-26.

Conditions:
Cardiovascular phenotype. Identifiers: MedGen CN230736.
Long QT syndrome (LQTS). Identifiers: MedGen C0023976, MeSH D008133, MONDO:0002442. Disease mechanism: loss of function. Inheritance: Various modes of inheritance.

Allele frequency attached by ClinVar (database versions not stated): 1000 Genomes Project 30x 0.00016; 1000 Genomes Project 0.00020; ESP Exome Variant Server 0.00031; TOPMed 0.00039; gnomAD exomes 0.00060 and 0.00072; gnomAD 0.00064 and 0.00066; ExAC 0.00065.
gnomAD v4.1: 964 of 1,610,938 alleles (0.06%); highest among the groups gnomAD compares: Non-Finnish European, 0.053%; no homozygotes.

Submissions (5):

Labcorp Genetics (formerly Invitae), Labcorp
Classification: Likely benign for Long QT syndrome. Last evaluated: 2026-01-26. Review status: criteria provided, single submitter. Criteria: Invitae Variant Classification Sherloc (09022015). Collection method: clinical testing. Allele origin: germline.

Blueprint Genetics
Classification: Likely benign. Last evaluated: 2024-10-17. Review status: criteria provided, single submitter. Criteria: ACMG Guidelines, 2015. Collection method: clinical testing. Allele origin: germline.

Ambry Genetics
Classification: Likely benign for Cardiovascular phenotype. Last evaluated: 2019-04-30. Review status: criteria provided, single submitter. Criteria: Ambry Variant Classification Scheme 2023. Collection method: clinical testing. Allele origin: germline.

Stanford Center for Inherited Cardiovascular Disease, Stanford University
Classification: Likely benign. Last evaluated: 2016-11-15. Review status: criteria provided, single submitter. Criteria: ACMG Guidelines, 2015. Collection method: provider interpretation. Allele origin: germline.

Biesecker Lab/Clinical Genomics Section, National Institutes of Health
Classification: Likely benign. Last evaluated: 2013-06-24. Review status: criteria provided, single submitter. Criteria: Ng et al. (Circ Cardiovasc Genet. 2013). Collection method: research. Allele origin: unknown. Observed: 1 variant allele. Study: ClinSeq.
Comment: The study set was not selected for affection status in relation to any cancer. Pathogenicity categories were based on literature curation. See Pubmed ID:23861362 for details.

Medical sequencing

Literature cited by the submitters: PubMed 23861362 (cited by Ambry Genetics).

NM_005751.5(AKAP9):c.2581T>C (p.Tyr861His)

Gene: AKAP9 (A-kinase anchoring protein 9; plus strand). Cytogenetic location: 7q21.2.
Variant type: single nucleotide variant.
Coding change: c.2581T>C on transcript NM_005751.5 (MANE Select); coding-DNA position 2581, T replaced by C.
Protein change: p.Tyr861His; replaces tyrosine 861 with histidine.
Molecular consequence: missense variant.
Genome position (GRCh38, 1-based): chr7:92,002,498, T>C. VCF-style: chr7-92002498-T-C. GRCh37 (hg19) VCF-style: chr7-91631812-T-C.
Other names: c.2581T>C, p.Tyr861His (NM_147185.3); short protein forms Y861H.
Identifiers: ClinVar variation 191515 (VCV000191515.18), dbSNP rs61757557, ClinGen allele CA236861.